The following is an entry in ClinVar:

NM_002691.4(POLD1):c.2593C>T (p.Gln865Ter)

Gene: POLD1 (DNA polymerase delta 1, catalytic subunit; plus strand). Cytogenetic location: 19q13.33.
Variant type: single nucleotide variant.
Coding change: c.2593C>T on transcript NM_002691.4 (MANE Select); coding-DNA position 2593, C replaced by T.
Protein change: p.Gln865Ter; replaces glutamine 865 with a stop codon.
Molecular consequence: nonsense. On other transcripts: non-coding transcript variant (1).
Genome position (GRCh38, 1-based): chr19:50,415,466, C>T. VCF-style: chr19-50415466-C-T. GRCh37 (hg19) VCF-style: chr19-50918723-C-T.
Other names: c.2593C>T, p.Gln865Ter (NM_001256849.1); c.2671C>T, p.Gln891Ter (NM_001308632.1); short protein forms Q891*, Q865*.
Identifiers: ClinVar variation 486078 (VCV000486078.12), dbSNP rs1555793026, ClinGen allele CA406985356.

ClinVar aggregate classification (germline): Uncertain significance. Review status: criteria provided, multiple submitters, no conflicts (2 of 4 stars). 2 submissions from 2 submitters: Uncertain significance (2). Last evaluated 2025-08-21.

Conditions:
POLD1-related polyposis and colorectal cancer syndrome (CRCS10). Also called: Colorectal cancer 10; COLORECTAL CANCER, SUSCEPTIBILITY TO, ON CHROMOSOME 19q; Colorectal cancer, susceptibility to, 10. Identifiers: Orphanet 220460, MedGen C2675481, MONDO:0012953, OMIM 612591.
Hereditary cancer-predisposing syndrome. Also called: Tumor predisposition; Hereditary Cancer Syndrome; Hereditary neoplastic syndrome; Neoplastic Syndromes, Hereditary. Identifiers: Orphanet 140162, MedGen C0027672, MeSH D009386, MONDO:0015356.

Submissions (2):

Ambry Genetics
Classification: Uncertain significance for Hereditary cancer-predisposing syndrome. Last evaluated: 2025-08-21. Review status: criteria provided, single submitter. Criteria: Ambry Variant Classification Scheme 2023. Collection method: clinical testing. Allele origin: germline.
Comment: The p.Q865* variant (also known as c.2593C>T), located in coding exon 20 of the POLD1 gene, results from a C to T substitution at nucleotide position 2593. This changes the amino acid from a glutamine to a stop codon within coding exon 20. This alteration is expected to result in loss of function by premature protein truncation or nonsense-mediated mRNA decay. However, loss of function of POLD1 has not been clearly established as a mechanism of disease. Since supporting evidence is limited at this time, the clinical significance of this alteration remains unclear.

Labcorp Genetics (formerly Invitae), Labcorp
Classification: Uncertain significance for POLD1-related polyposis and colorectal cancer syndrome. Last evaluated: 2024-03-30. Review status: criteria provided, single submitter. Criteria: Invitae Variant Classification Sherloc (09022015). Collection method: clinical testing. Allele origin: germline.
Comment: Missense variants that disrupt the 3'-5' exonuclease (proof-reading) activity of the POLD1 protein are associated with PPAP (polymerase proofreading–associated polyposis) (PMID: 23263490, 23447401). However, loss-of-function variants that result in an absent or severely disrupted POLD1 protein, and missense variants outside the exonuclease domain, are unlikely to be associated with PPAP. It is expected to result in an absent or disrupted protein product. However, the current clinical and genetic evidence is not sufficient to establish whether loss-of-function variants in POLD1 cause disease. This variant is not present in population databases (gnomAD no frequency). This variant has not been reported in the literature in individuals affected with POLD1-related conditions. ClinVar contains an entry for this variant (Variation ID: 486078). In summary, the available evidence is currently insufficient to determine the role of this variant in disease. Therefore, it has been classified as a Variant of Uncertain Significance.

Literature cited by the submitters: PubMed 23263490 (cited by Labcorp Genetics (formerly Invitae), Labcorp); PubMed 23447401 (cited by Labcorp Genetics (formerly Invitae), Labcorp).